The following is an entry in ClinVar:

ClinVar aggregate classification (germline): Benign/Likely benign. Review status: criteria provided, multiple submitters, no conflicts (2 of 4 stars). 3 submissions from 3 submitters: Benign (1); Likely benign (2). Last evaluated 2026-01-21.

Submissions (3):

Labcorp Genetics (formerly Invitae), Labcorp
Classification: Benign. Last evaluated: 2026-01-21. Review status: criteria provided, single submitter. Criteria: Invitae Variant Classification Sherloc (09022015). Collection method: clinical testing. Allele origin: germline.

GeneDx
Classification: Likely benign. Last evaluated: 2020-10-07. Review status: criteria provided, single submitter. Criteria: GeneDx Variant Classification Process June 2021. Collection method: clinical testing. Allele origin: germline. Affected: yes.

Center for Pediatric Genomic Medicine, Children's Mercy Hospital and Clinics
Classification: Likely benign. Last evaluated: 2017-01-18. Review status: criteria provided, single submitter. Criteria: ACMG Guidelines, 2015. Collection method: clinical testing. Allele origin: germline.
ClinVar note: Converted during submission from Likely Benign to Likely benign.

NM_001330311.2(DVL1):c.605+2TG[2]

Gene: DVL1 (dishevelled segment polarity protein 1; minus strand). Cytogenetic location: 1p36.33.
Variant type: Microsatellite.
Coding change: c.605+2TG[2] on transcript NM_001330311.2 (MANE Select); two copies in a row of the 2-base unit TG starting at c.605+2; the reference has three copies in a row; one copy, 2 bases deleted.
Molecular consequence: splice donor variant.
Genome position (GRCh38, 1-based): chr1:1,341,660-1,341,661, CA deleted on the plus strand (TG on the coding strand, the reverse complement: DVL1 is on the minus strand); deleting any 2 consecutive bases within chr1:1,341,660-1,341,666 gives the same sequence; the position shown is the placement nearest the transcript's 3' end. VCF-style (leftmost placement, unchanged base first): chr1-1341659-CCA-C. GRCh37 (hg19) VCF-style: chr1-1277039-CCA-C.
Other names: c.605+2TG[2] (NM_004421.3).
Identifiers: ClinVar variation 376849 (VCV000376849.15), dbSNP rs573517540, ClinGen allele CA520603.